The following is an entry in ClinVar:

NM_004304.5(ALK):c.73A>T (p.Thr25Ser)

Gene: ALK (ALK receptor tyrosine kinase; minus strand). Cytogenetic location: 2p23.1.
Variant type: single nucleotide variant.
Coding change: c.73A>T on transcript NM_004304.5 (MANE Select); coding-DNA position 73, A replaced by T.
Protein change: p.Thr25Ser; replaces threonine 25 with serine.
Molecular consequence: missense variant.
Genome position (GRCh38, 1-based): chr2:29,920,587, T>A on the plus strand (A>T on the coding strand, the complement: ALK is on the minus strand). VCF-style: chr2-29920587-T-A. GRCh37 (hg19) VCF-style: chr2-30143453-T-A.
Other names: short protein forms T25S.
Identifiers: ClinVar variation 4040854 (VCV004040854.1).

ClinVar aggregate classification (germline): Uncertain significance (1 of 4 stars; one submission).

Conditions:
Hereditary cancer-predisposing syndrome. Also called: Neoplastic Syndromes, Hereditary; Tumor predisposition; Hereditary neoplastic syndrome; Hereditary Cancer Syndrome. Identifiers: Orphanet 140162, MedGen C0027672, MeSH D009386, MONDO:0015356.

Submission:

Ambry Genetics
Classification: Uncertain significance for Hereditary cancer-predisposing syndrome. Last evaluated: 2025-05-07. Review status: criteria provided, single submitter. Criteria: Ambry Variant Classification Scheme 2023. Collection method: clinical testing. Allele origin: germline.
Comment: The p.T25S variant (also known as c.73A>T), located in coding exon 1 of the ALK gene, results from an A to T substitution at nucleotide position 73. The threonine at codon 25 is replaced by serine, an amino acid with similar properties. This amino acid position is conserved. In addition, this alteration is predicted to be tolerated by in silico analysis. Based on the available evidence, the clinical significance of this variant remains unclear.